The following is an entry in ClinVar:

ClinVar aggregate classification (germline): Uncertain significance. Review status: criteria provided, multiple submitters, no conflicts (2 of 4 stars). 2 submissions from 2 submitters: Uncertain significance (2). Last evaluated 2025-07-21.

Conditions:
Myofibrillar myopathy 5. Also called: Filaminopathy (type); FILAMINOPATHY, AUTOSOMAL DOMINANT. Identifiers: Orphanet 171445, MedGen C1836050, MONDO:0012289, OMIM 609524.
Distal myopathy with posterior leg and anterior hand involvement. Also called: WILLIAMS DISTAL MYOPATHY. Identifiers: Orphanet 63273, MedGen C3279722, MONDO:0013550, OMIM 614065.
Hypertrophic cardiomyopathy 26. Also called: Cardiomyopathy, familial hypertrophic, 26. Identifiers: Orphanet 75249, MedGen C4310749, MONDO:0014883, OMIM 617047.
Cardiovascular phenotype. Identifiers: MedGen CN230736.

Submissions (2):

Labcorp Genetics (formerly Invitae), Labcorp
Classification: Uncertain significance for Distal myopathy with posterior leg and anterior hand involvement; Myofibrillar myopathy 5; Hypertrophic cardiomyopathy 26. Last evaluated: 2025-07-21. Review status: criteria provided, single submitter. Criteria: Invitae Variant Classification Sherloc (09022015). Collection method: clinical testing. Allele origin: germline.
Comment: This sequence change replaces alanine, which is neutral and non-polar, with threonine, which is neutral and polar, at codon 1247 of the FLNC protein (p.Ala1247Thr). This variant is not present in population databases (gnomAD no frequency). This variant has not been reported in the literature in individuals affected with FLNC-related conditions. ClinVar contains an entry for this variant (Variation ID: 2530124). Invitae Evidence Modeling of protein sequence and biophysical properties (such as structural, functional, and spatial information, amino acid conservation, physicochemical variation, residue mobility, and thermodynamic stability) has been performed for this missense variant. However, the output from this modeling did not meet the statistical confidence thresholds required to predict the impact of this variant on FLNC protein function. In summary, the available evidence is currently insufficient to determine the role of this variant in disease. Therefore, it has been classified as a Variant of Uncertain Significance.

Ambry Genetics
Classification: Uncertain significance for Cardiovascular phenotype. Last evaluated: 2023-03-27. Review status: criteria provided, single submitter. Criteria: Ambry Variant Classification Scheme 2023. Collection method: clinical testing. Allele origin: germline.

NM_001458.5(FLNC):c.3739G>A (p.Ala1247Thr)

Gene: FLNC (filamin C; plus strand). Cytogenetic location: 7q32.1.
Variant type: single nucleotide variant.
Coding change: c.3739G>A on transcript NM_001458.5 (MANE Select); coding-DNA position 3739, G replaced by A.
Protein change: p.Ala1247Thr; replaces alanine 1247 with threonine.
Molecular consequence: missense variant.
Genome position (GRCh38, 1-based): chr7:128,845,204, G>A. VCF-style: chr7-128845204-G-A. GRCh37 (hg19) VCF-style: chr7-128485258-G-A.
Other names: c.3739G>A, p.Ala1247Thr (NM_001127487.2); short protein forms A1247T.
Identifiers: ClinVar variation 2530124 (VCV002530124.4), dbSNP rs2536638615, ClinGen allele CA369197866.